The following is an entry in ClinVar:

NM_018967.5(SNTG1):c.413T>A (p.Phe138Tyr)

Gene: SNTG1 (syntrophin gamma 1; plus strand). Cytogenetic location: 8q11.21.
Variant type: single nucleotide variant.
Coding change: c.413T>A on transcript NM_018967.5 (MANE Select); coding-DNA position 413, T replaced by A.
Protein change: p.Phe138Tyr; replaces phenylalanine 138 with tyrosine.
Molecular consequence: missense variant. On other transcripts: non-coding transcript variant (5).
Genome position (GRCh38, 1-based): chr8:50,502,827, T>A. VCF-style: chr8-50502827-T-A. GRCh37 (hg19) VCF-style: chr8-51415387-T-A.
Other names: c.413T>A, p.Phe138Tyr (NM_001287813.3, NM_001287814.3, NM_001321773.2 and 4 more transcripts); short protein forms F138Y.
Identifiers: ClinVar variation 4993298 (VCV004993298.1).
Genomic context (GRCh38, chr8:50,502,827, plus strand): 5'-CTTTTTTTCAGGTTCAGGTTCTTCGGAATGCTGGAGAAGAAGTGACTCTAACAGTGTCAT[T>A]TTTAAAAAGAGCACCTGCTTTCCTCAAACTCCCATTGAATGAAGATTGTGCATGTAAGCA-3'
Protein context (NP_061840.1, residues 128-148): AGEEVTLTVS[Phe138Tyr]LKRAPAFLKL

ClinVar aggregate classification (germline): Uncertain significance (1 of 4 stars; one submission).

Conditions:
SNTG1-related disorder. Also called: SNTG1-related condition.

Submission:

PreventionGenetics, part of Exact Sciences
Classification: Uncertain significance for SNTG1-related condition. Last evaluated: 2026-06-11. Review status: criteria provided, single submitter. Criteria: ACMG Guidelines, 2015. Collection method: clinical testing. Allele origin: germline.
Comment: The SNTG1 c.413T>A variant is predicted to result in the amino acid substitution p.Phe138Tyr. To our knowledge, this variant has not been reported in the literature or in a large population database (gnomAD), indicating this variant is rare. At this time, the clinical significance of this variant is uncertain due to the absence of conclusive functional and genetic evidence.